The following is an entry in ClinVar:

ClinVar aggregate classification (germline): Uncertain significance (1 of 4 stars; one submission).

Conditions:
Emery-Dreifuss muscular dystrophy 5, autosomal dominant (EDMD5). Also called: EMERY-DREIFUSS MUSCULAR DYSTROPHY 5. Identifiers: Orphanet 261, MedGen C2751805, MONDO:0013072, OMIM 612999.

gnomAD v4.1: 16 of 1,614,186 alleles (0.00099%); highest among the groups gnomAD compares: Middle Eastern, 0.016%; no homozygotes.

Submission:

Labcorp Genetics (formerly Invitae), Labcorp
Classification: Uncertain significance for Emery-Dreifuss muscular dystrophy 5, autosomal dominant. Last evaluated: 2026-01-22. Review status: criteria provided, single submitter. Criteria: Invitae Variant Classification Sherloc (09022015). Collection method: clinical testing. Allele origin: germline.
Comment: This sequence change replaces methionine, which is neutral and non-polar, with valine, which is neutral and non-polar, at codon 5976 of the SYNE2 protein (p.Met5976Val). This variant is present in population databases (no rsID available, gnomAD 0.003%). This variant has not been reported in the literature in individuals affected with SYNE2-related conditions. An algorithm developed to predict the effect of missense changes on protein structure and function (PolyPhen-2) suggests that this variant is likely to be tolerated. In summary, the available evidence is currently insufficient to determine the role of this variant in disease. Therefore, it has been classified as a Variant of Uncertain Significance.

NM_182914.3(SYNE2):c.17926A>G (p.Met5976Val)

Gene: SYNE2 (spectrin repeat containing nuclear envelope protein 2; plus strand). Cytogenetic location: 14q23.2.
Variant type: single nucleotide variant.
Coding change: c.17926A>G on transcript NM_182914.3 (MANE Select); coding-DNA position 17926, A replaced by G.
Protein change: p.Met5976Val; replaces methionine 5976 with valine.
Molecular consequence: missense variant.
Genome position (GRCh38, 1-based): chr14:64,190,125, A>G. VCF-style: chr14-64190125-A-G. GRCh37 (hg19) VCF-style: chr14-64656843-A-G.
Other names: c.17926A>G, p.Met5976Val (NM_015180.6); short protein forms M5976V.
Identifiers: ClinVar variation 4802270 (VCV004802270.1).